The following is an entry in ClinVar:

ClinVar aggregate classification (germline): Uncertain significance (1 of 4 stars; one submission).

Conditions:
Inborn genetic diseases. Identifiers: MedGen C0950123, MeSH D030342.

gnomAD v4.1: 1 of 1,605,616 alleles (0.000062%); highest among the groups gnomAD compares: East Asian, 0.0022%; no homozygotes.

Submission:

Ambry Genetics
Classification: Uncertain significance for Inborn genetic diseases. Last evaluated: 2025-01-17. Review status: criteria provided, single submitter. Criteria: Ambry Variant Classification Scheme 2023. Collection method: clinical testing. Allele origin: germline.
Comment: The p.E819D variant (also known as c.2457G>C), located in coding exon 26 of the RTEL1 gene, results from a G to C substitution at nucleotide position 2457. The glutamic acid at codon 819 is replaced by aspartic acid, an amino acid with highly similar properties. This amino acid position is conserved. In addition, this alteration is predicted to be tolerated by in silico analysis. Based on the available evidence, the clinical significance of this variant remains unclear.

NM_001283009.2(RTEL1):c.2457G>C (p.Glu819Asp)

Genes: RTEL1 (regulator of telomere elongation helicase 1; plus strand), RTEL1-TNFRSF6B (RTEL1-TNFRSF6B readthrough (NMD candidate); plus strand). Cytogenetic location: 20q13.33.
Variant type: single nucleotide variant.
Coding change: c.2457G>C on transcript NM_001283009.2 (MANE Select); coding-DNA position 2457, G replaced by C.
Protein change: p.Glu819Asp; replaces glutamic acid 819 with aspartic acid.
Molecular consequence: missense variant. On other transcripts: non-coding transcript variant (1).
Genome position (GRCh38, 1-based): chr20:63,690,848, G>C. VCF-style: chr20-63690848-G-C. GRCh37 (hg19) VCF-style: chr20-62322201-G-C.
Other names: c.1788G>C, p.Glu596Asp (NM_001283010.1); c.2457G>C, p.Glu819Asp (NM_016434.4); c.2529G>C, p.Glu843Asp (NM_032957.5); short protein forms E843D, E596D, E819D.
Identifiers: ClinVar variation 3791070 (VCV003791070.1).